The following is an entry in ClinVar:

ClinVar aggregate classification (germline): Uncertain significance. Review status: criteria provided, multiple submitters, no conflicts (2 of 4 stars). 4 submissions from 4 submitters: Uncertain significance (4). Last evaluated 2026-05-29.

Conditions:
Familial thoracic aortic aneurysm and aortic dissection (TAAD). Also called: Thoracic aortic aneurysms and dissections. Identifiers: Orphanet 91387, MedGen C4707243, MONDO:0019625.
Frontometaphyseal dysplasia (FMD1). Identifiers: Orphanet 1826, MedGen C0265293, MONDO:0015942.
Heterotopia, periventricular, X-linked dominant (PVNH1). Also called: PERIVENTRICULAR NODULAR HETEROTOPIA 1; PERIVENTRICULAR NODULAR HETEROTOPIA 4; HETEROTOPIA, PERIVENTRICULAR, 1; X-linked periventricular heterotopia. Identifiers: Orphanet 2149, Orphanet 82004, MedGen C1848213, MONDO:0010233, OMIM 300049.
Melnick-Needles syndrome (MNS). Also called: OSTEODYSPLASTY OF MELNICK AND NEEDLES; Melnick-Needles Syndrome (FLNA-MNS); MELNICK-NEEDLES OSTEODYSPLASTY. Identifiers: Orphanet 2484, MedGen C0025237, MONDO:0010650, OMIM 309350.
Oto-palato-digital syndrome, type II (OPD2). Also called: Otopalatodigital Syndrome Type 2 (FLNA-OPD2); FACIOPALATOOSSEOUS SYNDROME; OPD II SYNDROME; Otopalatodigital Syndrome, Type II. Identifiers: Orphanet 669, Orphanet 90652, MedGen C1844696, MONDO:0010571, OMIM 304120.
FLNA-related disorder.

Allele frequency attached by ClinVar (database versions not stated): ExAC 0.00001; gnomAD 0.00001; gnomAD exomes 0.00002; TOPMed 0.00002.
gnomAD v4.1: 20 of 1,208,686 alleles (0.0017%); highest among the groups gnomAD compares: Admixed American, 0.0022%; no homozygotes.

Submissions (4):

Women's Health and Genetics/Laboratory Corporation of America, LabCorp
Classification: Uncertain significance. Last evaluated: 2026-05-29. Review status: criteria provided, single submitter. Criteria: LabCorp Variant Classification Summary - May 2015. Collection method: clinical testing. Allele origin: germline.
Comment: Variant summary: FLNA c.4544G>A (p.Arg1515Gln) results in a conservative amino acid change in the encoded protein sequence. Algorithms developed to predict the effect of missense changes on protein structure and function all suggest that this variant is likely to be tolerated. The variant was absent in 181133 control chromosomes. The available data on variant occurrences in the general population are insufficient to allow any conclusion about variant significance. To our knowledge, no occurrence of c.4544G>A in individuals affected with FLNA-related conditions and no experimental evidence demonstrating its impact on protein function have been reported. ClinVar contains an entry for this variant (Variation ID: 649109). Based on the evidence outlined above, the variant was classified as uncertain significance.

Ambry Genetics
Classification: Uncertain significance for Familial thoracic aortic aneurysm and aortic dissection. Last evaluated: 2026-04-27. Review status: criteria provided, single submitter. Criteria: Ambry Variant Classification Scheme 2023. Collection method: clinical testing. Allele origin: germline.

PreventionGenetics, part of Exact Sciences
Classification: Uncertain significance for FLNA-related condition. Last evaluated: 2026-02-12. Review status: criteria provided, single submitter. Criteria: ACMG Guidelines, 2015. Collection method: clinical testing. Allele origin: germline.
Comment: The FLNA c.4544G>A variant is predicted to result in the amino acid substitution p.Arg1515Gln. To our knowledge, this variant has not been reported in the literature or in a large population database, indicating this variant is rare. At this time, the clinical significance of this variant is uncertain due to the absence of conclusive functional and genetic evidence.

Labcorp Genetics (formerly Invitae), Labcorp
Classification: Uncertain significance for Oto-palato-digital syndrome, type II; Heterotopia, periventricular, X-linked dominant; Frontometaphyseal dysplasia; Melnick-Needles syndrome. Last evaluated: 2026-02-01. Review status: criteria provided, single submitter. Criteria: Invitae Variant Classification Sherloc (09022015). Collection method: clinical testing. Allele origin: germline.
Comment: This sequence change replaces arginine, which is basic and polar, with glutamine, which is neutral and polar, at codon 1515 of the FLNA protein (p.Arg1515Gln). This variant is present in population databases (rs782597696, gnomAD 0.004%). This variant has not been reported in the literature in individuals affected with FLNA-related conditions. ClinVar contains an entry for this variant (Variation ID: 649109). Invitae Evidence Modeling of protein sequence and biophysical properties (such as structural, functional, and spatial information, amino acid conservation, physicochemical variation, residue mobility, and thermodynamic stability) indicates that this missense variant is not expected to disrupt FLNA protein function with a negative predictive value of 95%. In summary, the available evidence is currently insufficient to determine the role of this variant in disease. Therefore, it has been classified as a Variant of Uncertain Significance.

NM_001110556.2(FLNA):c.4544G>A (p.Arg1515Gln)

Gene: FLNA (filamin A; minus strand). Cytogenetic location: Xq28.
Variant type: single nucleotide variant.
Coding change: c.4544G>A on transcript NM_001110556.2 (MANE Select); coding-DNA position 4544, G replaced by A.
Protein change: p.Arg1515Gln; replaces arginine 1515 with glutamine.
Molecular consequence: missense variant.
Genome position (GRCh38, 1-based): chrX:154,358,499, C>T on the plus strand (G>A on the coding strand, the complement: FLNA is on the minus strand). VCF-style: chrX-154358499-C-T. GRCh37 (hg19) VCF-style: chrX-153586867-C-T.
Other names: c.4544G>A (NM_001110556.1); c.4544G>A, p.Arg1515Gln (NM_001456.4); short protein forms R1515Q.
Identifiers: ClinVar variation 649109 (VCV000649109.17), dbSNP rs782597696, ClinGen allele CA10560510.